The following is an entry in ClinVar:

ClinVar aggregate classification (germline): Uncertain significance (1 of 4 stars; one submission).

gnomAD v4.1: 2 of 1,609,554 alleles (0.00012%); highest among the groups gnomAD compares: Admixed American, 0.0034%; no homozygotes.

Submission:

Ambry Genetics
Classification: Uncertain significance. Last evaluated: 2025-07-25. Review status: criteria provided, single submitter. Criteria: Ambry Variant Classification Scheme 2023. Collection method: clinical testing. Allele origin: germline.
Comment: The p.G46S variant (also known as c.136G>A), located in coding exon 3 of the RINT1 gene, results from a G to A substitution at nucleotide position 136. The glycine at codon 46 is replaced by serine, an amino acid with similar properties. This amino acid position is conserved. In addition, this alteration is predicted to be tolerated by in silico analysis. Since supporting evidence is limited at this time, the clinical significance of this alteration remains unclear.

NM_021930.6(RINT1):c.136G>A (p.Gly46Ser)

Gene: RINT1 (RAD50 interactor 1; plus strand). Cytogenetic location: 7q22.3.
Variant type: single nucleotide variant.
Coding change: c.136G>A on transcript NM_021930.6 (MANE Select); coding-DNA position 136, G replaced by A.
Protein change: p.Gly46Ser; replaces glycine 46 with serine.
Molecular consequence: missense variant. On other transcripts: synonymous variant (1), 5 prime UTR variant (3), non-coding transcript variant (1).
Genome position (GRCh38, 1-based): chr7:105,536,612, G>A. VCF-style: chr7-105536612-G-A. GRCh37 (hg19) VCF-style: chr7-105177059-G-A.
Other names: c.39G>A, p.Lys13= (NM_001346599.2); c.-884G>A (NM_001346600.2); c.-787G>A (NM_001346601.2); c.-407G>A (NM_001346603.2); short protein forms G46S.
Identifiers: ClinVar variation 2563366 (VCV002563366.3), dbSNP rs1440610951, ClinGen allele CA368800117.